The following is an entry in ClinVar:

ClinVar aggregate classification (germline): Benign. Review status: criteria provided, multiple submitters, no conflicts (2 of 4 stars). 2 submissions from 2 submitters: Benign (2). Last evaluated 2018-01-13.

Conditions:
Weill-Marchesani 4 syndrome, recessive. Also called: Weill-Marchesani syndrome 4. Identifiers: Orphanet 363992, MedGen C2750787, MONDO:0013176, OMIM 613195.

Allele frequency attached by ClinVar (database versions not stated): 1000 Genomes Project 0.58646; 1000 Genomes Project 30x 0.59307; TOPMed 0.61991.
gnomAD v4.1: 115,046 of 186,176 alleles (62%); highest among the groups gnomAD compares: Non-Finnish European, 64%; 36,213 homozygotes.

Submissions (2):

Illumina Laboratory Services, Illumina
Classification: Benign for Weill-Marchesani 4 syndrome, recessive. Last evaluated: 2018-01-13. Review status: criteria provided, single submitter. Criteria: ICSL Variant Classification Criteria 13 December 2019. Collection method: clinical testing. Allele origin: germline.
Comment: This variant was observed in the ICSL laboratory as part of a predisposition screen in an ostensibly healthy population. It had not been previously curated by ICSL or reported in the Human Gene Mutation Database (HGMD: prior to June 1st, 2018), and was therefore a candidate for classification through an automated scoring system. Utilizing variant allele frequency, disease prevalence and penetrance estimates, and inheritance mode, an automated score was calculated to assess if this variant is too frequent to cause the disease. Based on the score and internal cut-off values, a variant classified as benign is not then subjected to further curation. The score for this variant resulted in a classification of benign for this disease.

Breakthrough Genomics
Classification: Benign. Review status: criteria provided, single submitter. Criteria: ACMG Guidelines, 2015. Collection method: not provided. Allele origin: germline. Inheritance: Autosomal recessive inheritance. Affected: yes.

NM_139057.4(ADAMTS17):c.*567G>C

Gene: ADAMTS17 (ADAM metallopeptidase with thrombospondin type 1 motif 17; minus strand). Cytogenetic location: 15q26.3.
Variant type: single nucleotide variant.
Coding change: c.*567G>C on transcript NM_139057.4 (MANE Select); 567 bases downstream of the stop codon, G replaced by C.
Molecular consequence: 3 prime UTR variant.
Genome position (GRCh38, 1-based): chr15:99,973,835, C>G on the plus strand (G>C on the coding strand, the complement: ADAMTS17 is on the minus strand). VCF-style: chr15-99973835-C-G. GRCh37 (hg19) VCF-style: chr15-100514040-C-G.
Identifiers: ClinVar variation 315221 (VCV000315221.6), dbSNP rs2573649, ClinGen allele CA10636911.